The following is an entry in ClinVar:

ClinVar aggregate classification (germline): Pathogenic (1 of 4 stars; one submission).

Submission:

Labcorp Genetics (formerly Invitae), Labcorp
Classification: Pathogenic. Last evaluated: 2025-04-23. Review status: criteria provided, single submitter. Criteria: Invitae Variant Classification Sherloc (09022015). Collection method: clinical testing. Allele origin: germline.
Comment: This sequence change creates a premature translational stop signal (p.Cys127*) in the EBP gene. It is expected to result in an absent or disrupted protein product. Loss-of-function variants in EBP are known to be pathogenic (PMID: 10391218). This variant is not present in population databases (gnomAD no frequency). This variant has not been reported in the literature in individuals affected with EBP-related conditions. For these reasons, this variant has been classified as Pathogenic.

Literature cited by the submitters: PubMed 10391218.

NM_006579.3(EBP):c.381C>A (p.Cys127Ter)

Gene: EBP (EBP cholestenol delta-isomerase; plus strand). Cytogenetic location: Xp11.23.
Variant type: single nucleotide variant.
Coding change: c.381C>A on transcript NM_006579.3 (MANE Select); coding-DNA position 381, C replaced by A.
Protein change: p.Cys127Ter; replaces cysteine 127 with a stop codon.
Molecular consequence: nonsense.
Genome position (GRCh38, 1-based): chrX:48,527,197, C>A. VCF-style: chrX-48527197-C-A. GRCh37 (hg19) VCF-style: chrX-48385585-C-A.
Other names: short protein forms C127*.
Identifiers: ClinVar variation 4717836 (VCV004717836.1).
Genomic context (GRCh38, chrX:48,527,197, plus strand): 5'-TCATGCTTTCTCCTGCAGGGGTGACAACTTCACAGTGTGCATGGAAACCATCACAGCTTG[C>A]CTGTGGGGACCACTCAGCCTGTGGGTGGTGATCGCCTTTCTCCGCCAGCATCCCCTCCGC-3'